The following is an entry in ClinVar:

NM_020686.6(ABAT):c.979G>A (p.Glu327Lys)

Gene: ABAT (4-aminobutyrate aminotransferase; plus strand). Cytogenetic location: 16p13.2.
Variant type: single nucleotide variant.
Coding change: c.979G>A on transcript NM_020686.6 (MANE Select); coding-DNA position 979, G replaced by A.
Protein change: p.Glu327Lys; replaces glutamic acid 327 with lysine.
Molecular consequence: missense variant.
Genome position (GRCh38, 1-based): chr16:8,774,914, G>A. VCF-style: chr16-8774914-G-A. GRCh37 (hg19) VCF-style: chr16-8868771-G-A.
Other names: c.979G>A, p.Glu327Lys (NM_000663.5, NM_001127448.2, NM_001386600.1 and 6 more transcripts); c.940G>A, p.Glu314Lys (NM_001386605.1); c.916G>A, p.Glu306Lys (NM_001386606.1, NM_001386607.1); c.886G>A, p.Glu296Lys (NM_001386608.1); c.844G>A, p.Glu282Lys (NM_001386610.1, NM_001386611.1); c.781G>A, p.Glu261Lys (NM_001386612.1, NM_001386613.1); c.733G>A, p.Glu245Lys (NM_001386614.1); c.1075G>A, p.Glu359Lys (NM_001386615.1); short protein forms E327K, E245K, E306K, E296K, E314K, E359K, E261K, E282K.
Identifiers: ClinVar variation 2042451 (VCV002042451.5), dbSNP rs750204336, ClinGen allele CA7893392.

ClinVar aggregate classification (germline): Uncertain significance. Review status: criteria provided, multiple submitters, no conflicts (2 of 4 stars). 2 submissions from 2 submitters: Uncertain significance (2). Last evaluated 2024-03-09.

Conditions:
Gamma-aminobutyric acid transaminase deficiency (GABATD). Also called: GABA aminotransaminase deficiency; GABA transaminase deficiency; Gamma aminobutyrate transaminase deficiency; 4 alpha aminobutyrate transaminase deficiency. Identifiers: Orphanet 2066, MedGen C0342708, MONDO:0013166, OMIM 613163.

Allele frequency attached by ClinVar (database versions not stated): gnomAD exomes below 0.00001; TOPMed below 0.00001; ExAC 0.00001; gnomAD 0.00001.
gnomAD v4.1: 4 of 1,613,914 alleles (0.00025%); highest among the groups gnomAD compares: East Asian, 0.0022%; no homozygotes.

Submissions (2):

Blueprint Genetics
Classification: Uncertain significance. Last evaluated: 2024-03-09. Review status: criteria provided, single submitter. Criteria: ACMG Guidelines, 2015. Collection method: clinical testing. Allele origin: germline.

Labcorp Genetics (formerly Invitae), Labcorp
Classification: Uncertain significance for Gamma-aminobutyric acid transaminase deficiency. Last evaluated: 2022-06-07. Review status: criteria provided, single submitter. Criteria: Invitae Variant Classification Sherloc (09022015). Collection method: clinical testing. Allele origin: germline.
Comment: This sequence change replaces glutamic acid, which is acidic and polar, with lysine, which is basic and polar, at codon 327 of the ABAT protein (p.Glu327Lys). This variant is present in population databases (rs750204336, gnomAD 0.006%). This variant has not been reported in the literature in individuals affected with ABAT-related conditions. Algorithms developed to predict the effect of missense changes on protein structure and function are either unavailable or do not agree on the potential impact of this missense change (SIFT: "Deleterious"; PolyPhen-2: "Probably Damaging"; Align-GVGD: "Class C0"). In summary, the available evidence is currently insufficient to determine the role of this variant in disease. Therefore, it has been classified as a Variant of Uncertain Significance.